The following is an entry in ClinVar:

ClinVar aggregate classification (germline): Uncertain significance. Review status: criteria provided, multiple submitters, no conflicts (2 of 4 stars). 2 submissions from 2 submitters: Uncertain significance (2). Last evaluated 2022-08-26.

Conditions:
GRN-related disorder. Also called: GRN-related condition; GRN-related disorders.
GRN-related frontotemporal lobar degeneration with Tdp43 inclusions (FTD2). Also called: GRN Frontotemporal Dementia; FRONTOTEMPORAL DEMENTIA WITH TDP43 INCLUSIONS, GRN-RELATED; DEMENTIA, HEREDITARY DYSPHASIC DISINHIBITION; FRONTOTEMPORAL LOBAR DEGENERATION WITH UBIQUITIN-POSITIVE INCLUSIONS; FTLD-TDP, GRN-RELATED. Identifiers: Orphanet 100070, Orphanet 282, MedGen C1843792, MONDO:0011842, OMIM 607485. Disease mechanism: loss of function.
Neuronal ceroid lipofuscinosis 11. Also called: GRN-Related Neuronal Ceroid-Lipofuscinosis. Identifiers: Orphanet 314629, Orphanet 79262, MedGen C3539123, MONDO:0013866, OMIM 614706.

Allele frequency attached by ClinVar (database versions not stated): gnomAD exomes below 0.00001; ExAC 0.00001; gnomAD 0.00001; TOPMed 0.00001.

Submissions (2):

PreventionGenetics, part of Exact Sciences
Classification: Uncertain significance for GRN-related condition. Last evaluated: 2022-08-26. Review status: criteria provided, single submitter. Criteria: ACMG Guidelines, 2015. Collection method: clinical testing. Allele origin: germline.
Comment: The GRN c.713C>T variant is predicted to result in the amino acid substitution p.Thr238Ile. To our knowledge, this variant has not been reported in the literature. This variant is reported in 0.00088% of alleles in individuals of European (Non-Finnish) descent in gnomAD. At this time, the clinical significance of this variant is uncertain due to the absence of conclusive functional and genetic evidence.

Labcorp Genetics (formerly Invitae), Labcorp
Classification: Uncertain significance for Neuronal ceroid lipofuscinosis 11; GRN-related frontotemporal lobar degeneration with Tdp43 inclusions. Last evaluated: 2022-08-21. Review status: criteria provided, single submitter. Criteria: Invitae Variant Classification Sherloc (09022015). Collection method: clinical testing. Allele origin: germline.
Comment: In summary, the available evidence is currently insufficient to determine the role of this variant in disease. Therefore, it has been classified as a Variant of Uncertain Significance. Algorithms developed to predict the effect of missense changes on protein structure and function output the following: SIFT: "Tolerated"; PolyPhen-2: "Benign"; Align-GVGD: "Class C0". The isoleucine amino acid residue is found in multiple mammalian species, which suggests that this missense change does not adversely affect protein function. This variant has not been reported in the literature in individuals affected with GRN-related conditions. This variant is present in population databases (rs765556715, gnomAD 0.0009%). This sequence change replaces threonine, which is neutral and polar, with isoleucine, which is neutral and non-polar, at codon 238 of the GRN protein (p.Thr238Ile).

NM_002087.4(GRN):c.713C>T (p.Thr238Ile)

Genes: GRN (granulin precursor; plus strand), LOC125177489 (Sharpr-MPRA regulatory region 15390; plus strand). Cytogenetic location: 17q21.31.
Variant type: single nucleotide variant.
Coding change: c.713C>T on transcript NM_002087.4 (MANE Select); coding-DNA position 713, C replaced by T.
Protein change: p.Thr238Ile; replaces threonine 238 with isoleucine.
Molecular consequence: missense variant.
Genome position (GRCh38, 1-based): chr17:44,351,041, C>T. VCF-style: chr17-44351041-C-T. GRCh37 (hg19) VCF-style: chr17-42428409-C-T.
Other names: c.713C>T (NM_002087.3); short protein forms T238I.
Identifiers: ClinVar variation 1929887 (VCV001929887.6), dbSNP rs765556715, ClinGen allele CA8602000.